The following is an entry in ClinVar:

ClinVar aggregate classification (germline): Conflicting classifications of pathogenicity. Review status: criteria provided, conflicting classifications (1 of 4 stars). 2 submissions from 2 submitters: Uncertain significance (1); Likely benign (1). Last evaluated 2023-03-23.

Conditions:
Hereditary cancer-predisposing syndrome. Also called: Hereditary Cancer Syndrome; Hereditary neoplastic syndrome; Neoplastic Syndromes, Hereditary; Tumor predisposition. Identifiers: Orphanet 140162, MedGen C0027672, MeSH D009386, MONDO:0015356.

Submissions (2):

University of Washington Department of Laboratory Medicine, University of Washington
Classification: Likely benign for Hereditary cancer-predisposing syndrome. Last evaluated: 2023-03-23. Review status: criteria provided, single submitter. Criteria: Dines et al. (Genet Med. 2020). Collection method: curation. Allele origin: germline.
Comment: Missense variant in a coldspot region where missense variants are very unlikely to be pathogenic (PMID:31911673).

BRCA2 exon 10 coldspot. Reclassification based on statistical prior probability.

Ambry Genetics
Classification: Uncertain significance for Hereditary cancer-predisposing syndrome. Last evaluated: 2021-09-01. Review status: criteria provided, single submitter. Criteria: Ambry Variant Classification Scheme 2023. Collection method: clinical testing. Allele origin: germline.
Comment: The p.S489Y variant (also known as c.1466C>A), located in coding exon 9 of the BRCA2 gene, results from a C to A substitution at nucleotide position 1466. The serine at codon 489 is replaced by tyrosine, an amino acid with dissimilar properties. This amino acid position is not well conserved in available vertebrate species. In addition, this alteration is predicted to be tolerated by in silico analysis. Since supporting evidence is limited at this time, the clinical significance of this alteration remains unclear.

NM_000059.4(BRCA2):c.1466C>A (p.Ser489Tyr)

Gene: BRCA2 (BRCA2 DNA repair associated; plus strand). Cytogenetic location: 13q13.1.
Variant type: single nucleotide variant.
Coding change: c.1466C>A on transcript NM_000059.4 (MANE Select); coding-DNA position 1466, C replaced by A.
Protein change: p.Ser489Tyr; replaces serine 489 with tyrosine.
Molecular consequence: missense variant.
Genome position (GRCh38, 1-based): chr13:32,332,944, C>A. VCF-style: chr13-32332944-C-A. GRCh37 (hg19) VCF-style: chr13-32907081-C-A.
Other names: c.1466C>A, p.Ser489Tyr (NM_001406720.1, NM_001406721.1, NM_001406719.1); short protein forms S489Y.
Identifiers: ClinVar variation 1773259 (VCV001773259.4), dbSNP rs587782535, ClinGen allele CA387764382.